The following is an entry in ClinVar:

ClinVar aggregate classification (germline): Benign. Review status: criteria provided, multiple submitters, no conflicts (2 of 4 stars). 5 submissions from 4 submitters: Benign (4). 1 of the submissions does not count toward it. Last evaluated 2022-03-15.

Conditions:
KCNT1-related disorder. Also called: KCNT1-related condition.
Developmental and epileptic encephalopathy, 14 (DEE14). Also called: Early infantile epileptic encephalopathy 14. Identifiers: Orphanet 293181, MedGen C3554195, MONDO:0013989, OMIM 614959.
Autosomal dominant nocturnal frontal lobe epilepsy 5. Also called: KCNT1-Related Epilepsy; Epilepsy, nocturnal frontal lobe, 5; CILIARY DYSKINESIA, PRIMARY, 28, WITHOUT SITUS INVERSUS; CILIARY DYSKINESIA, PRIMARY, 28, WITH SITUS INVERSUS. Identifiers: Orphanet 98784, MedGen C3554306, MONDO:0014002, OMIM 615005.

Submissions (5):

Genome-Nilou Lab
Classification: Benign for Developmental and epileptic encephalopathy, 14. Last evaluated: 2022-03-15. Review status: criteria provided, single submitter. Criteria: ACMG Guidelines, 2015. Collection method: clinical testing. Allele origin: germline. Affected: no.

Genome-Nilou Lab
Classification: Benign for Autosomal dominant nocturnal frontal lobe epilepsy 5. Last evaluated: 2022-03-15. Review status: criteria provided, single submitter. Criteria: ACMG Guidelines, 2015. Collection method: clinical testing. Allele origin: germline. Affected: no.

Eurofins Ntd Llc (ga)
Classification: Benign. Last evaluated: 2016-04-05. Review status: criteria provided, single submitter. Criteria: EGL Classification Definitions 2015. Collection method: clinical testing. Allele origin: germline. Observed: 4 variant alleles, 4 homozygotes.

GeneDx
Classification: Benign. Last evaluated: 2016-02-24. Review status: criteria provided, single submitter. Criteria: GeneDx Variant Classification Process June 2021. Collection method: clinical testing. Allele origin: germline. Affected: yes.

PreventionGenetics, part of Exact Sciences
Classification: Likely benign for KCNT1-related condition. Last evaluated: 2021-05-05. Review status: no assertion criteria provided. Collection method: clinical testing. Allele origin: germline. Not counted in ClinVar's aggregate classification.
Comment: This variant is classified as likely benign based on ACMG/AMP sequence variant interpretation guidelines (Richards et al. 2015 PMID: 25741868, with internal and published modifications).

NM_020822.3(KCNT1):c.2944-52CTCC[7]

Gene: KCNT1 (potassium sodium-activated channel subfamily T member 1; plus strand). Cytogenetic location: 9q34.3.
Variant type: Microsatellite.
Coding change: c.2944-52CTCC[7] on transcript NM_020822.3 (MANE Select); seven copies in a row of the 4-base unit CTCC starting at c.2944-52.
Molecular consequence: intron variant.
Genome position: GRCh38 VCF-style: chr9-135784482-GCTCCCTCCCTCCCTCC-G. GRCh37 (hg19) VCF-style: chr9-138676328-GCTCCCTCCCTCCCTCC-G.
Other names: c.2809-52CTCC[7] (NM_001272003.2); c.2944-22_2944-7del16 (NM_020822.2).
Identifiers: ClinVar variation 286875 (VCV000286875.11), dbSNP rs55843930, ClinGen allele CA10605599.